The following is an entry in ClinVar:

ClinVar aggregate classification (germline): Uncertain significance (1 of 4 stars; one submission).

Conditions:
Early-infantile DEE. Also called: Early infantile epileptic encephalopathy with suppression bursts; Early infantile epileptic encephalopathy; Ohtahara syndrome. Identifiers: Orphanet 1934, MedGen C0393706, MONDO:0800491.

Submission:

Labcorp Genetics (formerly Invitae), Labcorp
Classification: Uncertain significance for Early-infantile DEE. Last evaluated: 2024-11-08. Review status: criteria provided, single submitter. Criteria: Invitae Variant Classification Sherloc (09022015). Collection method: clinical testing. Allele origin: germline.
Comment: This sequence change replaces arginine, which is basic and polar, with glycine, which is neutral and non-polar, at codon 767 of the KCNQ2 protein (p.Arg767Gly). This variant is not present in population databases (gnomAD no frequency). This variant has not been reported in the literature in individuals affected with KCNQ2-related conditions. Invitae Evidence Modeling of protein sequence and biophysical properties (such as structural, functional, and spatial information, amino acid conservation, physicochemical variation, residue mobility, and thermodynamic stability) indicates that this missense variant is not expected to disrupt KCNQ2 protein function with a negative predictive value of 95%. In summary, the available evidence is currently insufficient to determine the role of this variant in disease. Therefore, it has been classified as a Variant of Uncertain Significance.

NM_172107.4(KCNQ2):c.2299C>G (p.Arg767Gly)

Gene: KCNQ2 (potassium voltage-gated channel subfamily Q member 2; minus strand). Cytogenetic location: 20q13.33.
Variant type: single nucleotide variant.
Coding change: c.2299C>G on transcript NM_172107.4 (MANE Select); coding-DNA position 2299, C replaced by G.
Protein change: p.Arg767Gly; replaces arginine 767 with glycine.
Molecular consequence: missense variant.
Genome position (GRCh38, 1-based): chr20:63,406,964, G>C on the plus strand (C>G on the coding strand, the complement: KCNQ2 is on the minus strand). VCF-style: chr20-63406964-G-C. GRCh37 (hg19) VCF-style: chr20-62038317-G-C.
Other names: c.2353C>G, p.Arg785Gly (NM_001382235.1); c.2215C>G, p.Arg739Gly (NM_004518.6); c.2245C>G, p.Arg749Gly (NM_172106.3); c.2206C>G, p.Arg736Gly (NM_172108.5); short protein forms R736G, R739G, R749G, R767G, R785G.
Identifiers: ClinVar variation 3629108 (VCV003629108.2).